The following is an entry in ClinVar:

ClinVar aggregate classification (germline): Uncertain significance (1 of 4 stars; one submission).

Allele frequency attached by ClinVar (database versions not stated): gnomAD exomes below 0.00001; TOPMed 0.00002; ExAC 0.00001; gnomAD 0.00003.
gnomAD v4.1: 10 of 1,613,490 alleles (0.00062%); highest among the groups gnomAD compares: Admixed American, 0.0083%; no homozygotes.

Submission:

Labcorp Genetics (formerly Invitae), Labcorp
Classification: Uncertain significance. Last evaluated: 2025-07-31. Review status: criteria provided, single submitter. Criteria: Invitae Variant Classification Sherloc (09022015). Collection method: clinical testing. Allele origin: germline.
Comment: This sequence change replaces tyrosine, which is neutral and polar, with cysteine, which is neutral and slightly polar, at codon 126 of the DHX37 protein (p.Tyr126Cys). This variant is present in population databases (rs776003583, gnomAD 0.003%). This variant has not been reported in the literature in individuals affected with DHX37-related conditions. ClinVar contains an entry for this variant (Variation ID: 2899543). An algorithm developed to predict the effect of missense changes on protein structure and function (PolyPhen-2) suggests that this variant is likely to be tolerated. In summary, the available evidence is currently insufficient to determine the role of this variant in disease. Therefore, it has been classified as a Variant of Uncertain Significance.

NM_032656.4(DHX37):c.377A>G (p.Tyr126Cys)

Gene: DHX37 (DEAH-box helicase 37; minus strand). Cytogenetic location: 12q24.31.
Variant type: single nucleotide variant.
Coding change: c.377A>G on transcript NM_032656.4 (MANE Select); coding-DNA position 377, A replaced by G.
Protein change: p.Tyr126Cys; replaces tyrosine 126 with cysteine.
Molecular consequence: missense variant.
Genome position (GRCh38, 1-based): chr12:124,982,523, T>C on the plus strand (A>G on the coding strand, the complement: DHX37 is on the minus strand). VCF-style: chr12-124982523-T-C. GRCh37 (hg19) VCF-style: chr12-125467069-T-C.
Other names: short protein forms Y126C.
Identifiers: ClinVar variation 2899543 (VCV002899543.3), dbSNP rs776003583, ClinGen allele CA6872468.